The following is an entry in ClinVar:

NM_024721.5(ZFHX4):c.196G>A (p.Val66Ile)

Gene: ZFHX4 (zinc finger homeobox 4; plus strand). Cytogenetic location: 8q21.13.
Variant type: single nucleotide variant.
Coding change: c.196G>A on transcript NM_024721.5 (MANE Select); coding-DNA position 196, G replaced by A.
Protein change: p.Val66Ile; replaces valine 66 with isoleucine.
Molecular consequence: missense variant.
Genome position (GRCh38, 1-based): chr8:76,704,284, G>A. VCF-style: chr8-76704284-G-A. GRCh37 (hg19) VCF-style: chr8-77616519-G-A.
Other names: c.196G>A, p.Val66Ile (NM_001410934.1); c.196G>A (NM_024721.4); short protein forms V66I.
Identifiers: ClinVar variation 2658657 (VCV002658657.25), dbSNP rs56261025, ClinGen allele CA4786600.

ClinVar aggregate classification (germline): Benign. Review status: criteria provided, single submitter (1 of 4 stars). 2 submissions from 2 submitters: Benign (1). 1 of the submissions does not count toward it. Last evaluated 2026-07-01.

Conditions:
ZFHX4-related disorder. Also called: ZFHX4-related condition.

Allele frequency attached by ClinVar (database versions not stated): 1000 Genomes Project 30x 0.00172; 1000 Genomes Project 0.00200.
gnomAD v4.1: 3,808 of 1,613,928 alleles (0.24%); highest among the groups gnomAD compares: Non-Finnish European, 0.17%; 50 homozygotes.

Submissions (2):

CeGaT Center for Human Genetics Tuebingen
Classification: Benign. Last evaluated: 2026-07-01. Review status: criteria provided, single submitter. Criteria: CeGaT Center For Human Genetics Tuebingen Variant Classification Criteria Version 2. Collection method: clinical testing. Allele origin: germline. Affected: yes. Observed: 10 variant alleles.
Comment: ZFHX4: BP4, BS1, BS2

PreventionGenetics, part of Exact Sciences
Classification: Benign for ZFHX4-related condition. Last evaluated: 2019-03-11. Review status: no assertion criteria provided. Collection method: clinical testing. Allele origin: germline. Not counted in ClinVar's aggregate classification.
Comment: This variant is classified as benign based on ACMG/AMP sequence variant interpretation guidelines (Richards et al. 2015 PMID: 25741868, with internal and published modifications).